The following is an entry in ClinVar:

ClinVar aggregate classification (germline): Uncertain significance. Review status: criteria provided, single submitter (1 of 4 stars). 2 submissions from 2 submitters: Uncertain significance (1). 1 of the submissions does not count toward it. Last evaluated 2017-07-31.

Conditions:
Autosomal recessive limb-girdle muscular dystrophy type 2J (LGMDR10). Also called: Limb-girdle muscular dystrophy, type 2J; MUSCULAR DYSTROPHY, LIMB-GIRDLE, AUTOSOMAL RECESSIVE 10. Identifiers: Orphanet 140922, MedGen C1837342, MONDO:0012127, OMIM 608807.
Dilated cardiomyopathy 1G (CMD1G). Identifiers: Orphanet 154, MedGen C1858763, MONDO:0011400, OMIM 604145.

Submissions (2):

Labcorp Genetics (formerly Invitae), Labcorp
Classification: Uncertain significance for Dilated cardiomyopathy 1G; Autosomal recessive limb-girdle muscular dystrophy type 2J. Last evaluated: 2017-07-31. Review status: criteria provided, single submitter. Criteria: Invitae Variant Classification Sherloc (09022015). Collection method: clinical testing. Allele origin: germline.

Department of Pathology and Laboratory Medicine, Sinai Health System
Classification: Uncertain significance. Review status: no assertion criteria provided. Collection method: clinical testing. Allele origin: unknown. Affected: yes. Study: The Canadian Open Genetics Repository (COGR). Not counted in ClinVar's aggregate classification.
Comment: The TTN p.Val9106Ile variant was not identified in the literature nor was it identified in dbSNP or in the following control databases: the 1000 Genomes Project, the NHLBI GO Exome Sequencing Project, or the Genome Aggregation Database (March 6, 2019, v2.1.1). The variant was identified in ClinVar (classified as uncertain significance by Invitae). The p.Val9106 residue is not conserved in mammals and computational analyses (PolyPhen-2, SIFT, AlignGVGD, BLOSUM, MutationTaster) do not suggest a high likelihood of impact to the protein; however, this information is not predictive enough to rule out pathogenicity. The variant occurs outside of the splicing consensus sequence and three of four in silico or computational prediction software programs (SpliceSiteFinder, MaxEntScan, NNSPLICE, GeneSplicer) predict a greater than 10% difference in splicing. However, this information is not predictive enough to assume pathogenicity. In summary, based on the above information the clinical significance of this variant cannot be determined with certainty at this time. This variant is classified as a variant of uncertain significance.

NM_001267550.2(TTN):c.31048G>A (p.Val10350Ile)

Gene: TTN (titin; minus strand). Cytogenetic location: 2q31.2.
Variant type: single nucleotide variant.
Coding change: c.31048G>A on transcript NM_001267550.2 (MANE Select); coding-DNA position 31048, G replaced by A.
Protein change: p.Val10350Ile; replaces valine 10350 with isoleucine.
Molecular consequence: missense variant. On other transcripts: intron variant (3).
Genome position (GRCh38, 1-based): chr2:178,696,024, C>T on the plus strand (G>A on the coding strand, the complement: TTN is on the minus strand). VCF-style: chr2-178696024-C-T. GRCh37 (hg19) VCF-style: chr2-179560751-C-T.
Other names: c.30097G>A, p.Val10033Ile (NM_001256850.1); c.27316G>A, p.Val9106Ile (NM_133378.4); c.13282+42058G>A (NM_003319.4); c.13858+42058G>A (NM_133437.4); c.13657+42058G>A (NM_133432.3); short protein forms V10350I, V9106I, V10033I.
Identifiers: ClinVar variation 467000 (VCV000467000.4), dbSNP rs1553864204, ClinGen allele CA349565703.
Genomic context (GRCh38, chr2:178,696,024, plus strand): 5'-ATTCTTGCCCTTCTTCAAAATCTTCTTCCCATTCCTCGTGAACTTCTTTTTTAGCTTCTA[C>T]CTTAATCTCTTCATAGTCTTCATCTGGTTCTTCATAATAAGGTTGTTCAAATGGCTCTGT-3'
Protein context (NP_001254479.2, residues 10340-10360): EPDEDYEEIK[Val10350Ile]EAKKEVHEEW